The following is an entry in ClinVar:

ClinVar aggregate classification (germline): Uncertain significance (1 of 4 stars; one submission).

Submission:

Labcorp Genetics (formerly Invitae), Labcorp
Classification: Uncertain significance. Last evaluated: 2025-07-08. Review status: criteria provided, single submitter. Criteria: Invitae Variant Classification Sherloc (09022015). Collection method: clinical testing. Allele origin: germline.
Comment: This sequence change replaces serine, which is neutral and polar, with asparagine, which is neutral and polar, at codon 166 of the TRIP13 protein (p.Ser166Asn). This variant is not present in population databases (gnomAD no frequency). This variant has not been reported in the literature in individuals affected with TRIP13-related conditions. An algorithm developed to predict the effect of missense changes on protein structure and function (PolyPhen-2) suggests that this variant is likely to be tolerated. In summary, the available evidence is currently insufficient to determine the role of this variant in disease. Therefore, it has been classified as a Variant of Uncertain Significance.

NM_004237.4(TRIP13):c.497G>A (p.Ser166Asn)

Gene: TRIP13 (thyroid hormone receptor interactor 13; plus strand). Cytogenetic location: 5p15.33.
Variant type: single nucleotide variant.
Coding change: c.497G>A on transcript NM_004237.4 (MANE Select); coding-DNA position 497, G replaced by A.
Protein change: p.Ser166Asn; replaces serine 166 with asparagine.
Molecular consequence: missense variant.
Genome position (GRCh38, 1-based): chr5:901,393, G>A. VCF-style: chr5-901393-G-A. GRCh37 (hg19) VCF-style: chr5-901508-G-A.
Other names: c.497G>A, p.Ser166Asn (NM_001166260.2); short protein forms S166N.
Identifiers: ClinVar variation 4811229 (VCV004811229.1).
Genomic context (GRCh38, chr5:901,393, plus strand): 5'-TCTATCAGCTCCTCGATTATGTGATGACAACTTTACTGTTTTCAGACAAGAACGTCAACA[G>A]CAACCTCATCACCTGGAACCGGGTGGTGCTGCTCCACGGTAAATTATGCAGGCTTTTATT-3'
Protein context (NP_004228.1, residues 156-176): TLLFSDKNVN[Ser166Asn]NLITWNRVVL